The following is an entry in ClinVar:

NM_000038.6(APC):c.333T>G (p.Ser111Arg)

Gene: APC (APC regulator of Wnt signaling pathway; plus strand). Cytogenetic location: 5q22.2.
Variant type: single nucleotide variant.
Coding change: c.333T>G on transcript NM_000038.6 (MANE Select); coding-DNA position 333, T replaced by G.
Protein change: p.Ser111Arg; replaces serine 111 with arginine.
Molecular consequence: missense variant. On other transcripts: 5 prime UTR variant (4), non-coding transcript variant (2).
Genome position (GRCh38, 1-based): chr5:112,767,301, T>G. VCF-style: chr5-112767301-T-G. GRCh37 (hg19) VCF-style: chr5-112102998-T-G.
Other names: c.333T>G, p.Ser111Arg (NM_001127510.3, NM_001354895.2, NM_001354896.2 and 16 more transcripts); c.363T>G, p.Ser121Arg (NM_001127511.3, NM_001354897.2, NM_001354902.2 and 1 more transcripts); c.258T>G, p.Ser86Arg (NM_001354898.2, NM_001354904.2, NM_001407451.1); c.156T>G, p.Ser52Arg (NM_001354900.2, NM_001354901.2, NM_001354905.2 and 1 more transcripts); c.-703T>G (NM_001354906.2, NM_001407470.1, NM_001407471.1 and 1 more transcripts); short protein forms S111R, S121R, S52R, S86R.
Identifiers: ClinVar variation 4861380 (VCV004861380.1).
Genomic context (GRCh38, chr5:112,767,301, plus strand): 5'-GTCCCTCCGTTCTTATGGAAGCCGGGAAGGATCTGTATCAAGCCGTTCTGGAGAGTGCAG[T>G]CCTGTTCCTATGGGTTCATTTCCAAGAAGAGGGTTTGTAAATGGAAGCAGAGAAAGTACT-3'
Protein context (NP_000029.2, residues 101-121): GSVSSRSGEC[Ser111Arg]PVPMGSFPRR

ClinVar aggregate classification (germline): Uncertain significance (1 of 4 stars; one submission).

Conditions:
Hereditary cancer-predisposing syndrome. Also called: Neoplastic Syndromes, Hereditary; Tumor predisposition; Hereditary Cancer Syndrome; Hereditary neoplastic syndrome. Identifiers: Orphanet 140162, MedGen C0027672, MeSH D009386, MONDO:0015356.

Submission:

Ambry Genetics
Classification: Uncertain significance for Hereditary cancer-predisposing syndrome. Last evaluated: 2026-04-30. Review status: criteria provided, single submitter. Criteria: Ambry Variant Classification Scheme 2023. Collection method: clinical testing. Allele origin: germline.
Comment: The p.S111R variant (also known as c.333T>G), located in coding exon 3 of the APC gene, results from a T to G substitution at nucleotide position 333. The serine at codon 111 is replaced by arginine, an amino acid with dissimilar properties. This amino acid position is highly conserved in available vertebrate species. In addition, in silico predictors for this gene do not accurately predict pathogenicity. Missense variants in APC are not a common cause of disease (Spier I et al. Genet Med. 2024 Feb;26(2):100992). Based on the available evidence, the clinical significance of this variant remains unclear.